The following is an entry in ClinVar:

NM_000090.4(COL3A1):c.9C>A (p.Ser3Arg)

Gene: COL3A1 (collagen type III alpha 1 chain; plus strand). Cytogenetic location: 2q32.2.
Variant type: single nucleotide variant.
Coding change: c.9C>A on transcript NM_000090.4 (MANE Select); coding-DNA position 9, C replaced by A.
Protein change: p.Ser3Arg; replaces serine 3 with arginine.
Molecular consequence: missense variant.
Genome position (GRCh38, 1-based): chr2:188,974,498, C>A. VCF-style: chr2-188974498-C-A. GRCh37 (hg19) VCF-style: chr2-189839224-C-A.
Other names: short protein forms S3R.
Identifiers: ClinVar variation 1768913 (VCV001768913.2), dbSNP rs2153500007, ClinGen allele CA349845353.

ClinVar aggregate classification (germline): Uncertain significance (1 of 4 stars; one submission).

Conditions:
Familial thoracic aortic aneurysm and aortic dissection (TAAD). Also called: Thoracic aortic aneurysms and dissections. Identifiers: Orphanet 91387, MedGen C4707243, MONDO:0019625.

Submission:

Ambry Genetics
Classification: Uncertain significance for Familial thoracic aortic aneurysm and aortic dissection. Last evaluated: 2022-02-02. Review status: criteria provided, single submitter. Criteria: Ambry Variant Classification Scheme 2023. Collection method: clinical testing. Allele origin: germline.
Comment: The p.S3R variant (also known as c.9C>A), located in coding exon 1 of the COL3A1 gene, results from a C to A substitution at nucleotide position 9. The serine at codon 3 is replaced by arginine, an amino acid with dissimilar properties. This amino acid position is highly conserved in available vertebrate species. In addition, this alteration is predicted to be deleterious by in silico analysis. Since supporting evidence is limited at this time, the clinical significance of this alteration remains unclear.